The following is an entry in ClinVar:

ClinVar aggregate classification (germline): Likely benign. Review status: criteria provided, multiple submitters, no conflicts (2 of 4 stars). 2 submissions from 2 submitters: Likely benign (2). Last evaluated 2025-10-29.

Conditions:
Landau-Kleffner syndrome (FESD). Also called: EPILEPSY, FOCAL, WITH SPEECH DISORDER AND WITH OR WITHOUT MENTAL RETARDATION; APHASIA, ACQUIRED, WITH EPILEPSY. Identifiers: Orphanet 1945, Orphanet 725, Orphanet 98818, MedGen C0282512, MONDO:0009509, OMIM 245570.

Allele frequency attached by ClinVar (database versions not stated): TOPMed below 0.00001; gnomAD exomes 0.00004 and 0.00002; gnomAD 0.00001; ExAC 0.00002.
gnomAD v4.1: 54 of 1,613,534 alleles (0.0033%); highest among the groups gnomAD compares: Non-Finnish European, 0.0046%; no homozygotes.

Submissions (2):

Labcorp Genetics (formerly Invitae), Labcorp
Classification: Likely benign for Landau-Kleffner syndrome. Last evaluated: 2025-10-29. Review status: criteria provided, single submitter. Criteria: Invitae Variant Classification Sherloc (09022015). Collection method: clinical testing. Allele origin: germline.

GeneDx
Classification: Likely benign. Last evaluated: 2017-07-31. Review status: criteria provided, single submitter. Criteria: GeneDx Variant Classification (06012015). Collection method: clinical testing. Allele origin: germline. Affected: yes.
Comment: This variant is considered likely benign or benign based on one or more of the following criteria: it is a conservative change, it occurs at a poorly conserved position in the protein, it is predicted to be benign by multiple in silico algorithms, and/or has population frequency not consistent with disease.

NM_001134407.3(GRIN2A):c.1494T>C (p.Gly498=)

Gene: GRIN2A (glutamate ionotropic receptor NMDA type subunit 2A; minus strand). Cytogenetic location: 16p13.2.
Variant type: single nucleotide variant.
Coding change: c.1494T>C on transcript NM_001134407.3 (MANE Select); coding-DNA position 1494, T replaced by C.
Protein change: p.Gly498=; no amino-acid change (glycine 498 retained).
Molecular consequence: synonymous variant.
Genome position (GRCh38, 1-based): chr16:9,840,939, A>G on the plus strand (T>C on the coding strand, the complement: GRIN2A is on the minus strand). VCF-style: chr16-9840939-A-G. GRCh37 (hg19) VCF-style: chr16-9934796-A-G.
Other names: c.1494T>C, p.Gly498= (NM_000833.5, NM_001134408.2).
Identifiers: ClinVar variation 511126 (VCV000511126.8), dbSNP rs777998695, ClinGen allele CA7896718.